The following is an entry in ClinVar:

ClinVar aggregate classification (germline): Conflicting classifications of pathogenicity. Review status: criteria provided, conflicting classifications (1 of 4 stars). 4 submissions from 4 submitters: Uncertain significance (1); Likely benign (1). 2 of the submissions do not count toward it. Last evaluated 2025-09-26.

Conditions:
DYNC1H1-related disorder. Also called: DYNC1H1-related condition; DYNC1H1-related disorders. Identifiers: MedGen CN381529.
Charcot-Marie-Tooth disease axonal type 2O. Also called: CHARCOT-MARIE-TOOTH NEUROPATHY, AXONAL, TYPE 2O; CHARCOT-MARIE-TOOTH DISEASE, AXONAL, AUTOSOMAL DOMINANT, TYPE 2O; Charcot-Marie-Tooth Neuropathy Type 2O; Charcot-Marie-Tooth disease, axonal, type 20. Identifiers: Orphanet 284232, MedGen C3280220, MONDO:0013644, OMIM 614228.

Allele frequency attached by ClinVar (database versions not stated): gnomAD exomes 0.00001 and 0.00002; gnomAD 0.00002 and 0.00003.
gnomAD v4.1: 28 of 1,614,012 alleles (0.0017%); highest among the groups gnomAD compares: East Asian, 0.0089%; no homozygotes.

Submissions (4):

PreventionGenetics, part of Exact Sciences
Classification: Uncertain significance for DYNC1H1-related condition. Last evaluated: 2025-09-26. Review status: criteria provided, single submitter. Criteria: ACMG Guidelines, 2015. Collection method: clinical testing. Allele origin: germline.
Comment: The DYNC1H1 c.12811C>T variant is predicted to result in the amino acid substitution p.Arg4271Cys. To our knowledge, this variant has not been reported in the literature. This variant is reported in 0.0050% of alleles in individuals of East Asian descent in gnomAD. At this time, the clinical significance of this variant is uncertain due to the absence of conclusive functional and genetic evidence.

Labcorp Genetics (formerly Invitae), Labcorp
Classification: Likely benign for Charcot-Marie-Tooth disease axonal type 2O. Last evaluated: 2025-03-12. Review status: criteria provided, single submitter. Criteria: Invitae Variant Classification Sherloc (09022015). Collection method: clinical testing. Allele origin: germline.

Clinical Genetics, Academic Medical Center
Classification: Uncertain significance. Review status: no assertion criteria provided. Collection method: clinical testing. Allele origin: germline. Affected: yes. Study: VKGL Data-share Consensus. Not counted in ClinVar's aggregate classification.

Joint Genome Diagnostic Labs from Nijmegen and Maastricht, Radboudumc and MUMC+
Classification: Uncertain significance. Review status: no assertion criteria provided. Collection method: clinical testing. Allele origin: germline. Affected: yes. Study: VKGL Data-share Consensus. Not counted in ClinVar's aggregate classification.

NM_001376.5(DYNC1H1):c.12811C>T (p.Arg4271Cys)

Gene: DYNC1H1 (dynein cytoplasmic 1 heavy chain 1; plus strand). Cytogenetic location: 14q32.31.
Variant type: single nucleotide variant.
Coding change: c.12811C>T on transcript NM_001376.5 (MANE Select); coding-DNA position 12811, C replaced by T.
Protein change: p.Arg4271Cys; replaces arginine 4271 with cysteine.
Molecular consequence: missense variant.
Genome position (GRCh38, 1-based): chr14:102,044,400, C>T. VCF-style: chr14-102044400-C-T. GRCh37 (hg19) VCF-style: chr14-102510737-C-T.
Other names: c.12811C>T (NM_001376.4); short protein forms R4271C.
Identifiers: ClinVar variation 1284658 (VCV001284658.11), dbSNP rs573730260, ClinGen allele CA266981125.